The following is an entry in ClinVar:

NM_138927.4(SON):c.5725T>A (p.Ser1909Thr)

Gene: SON (SON DNA and RNA binding protein; plus strand). Cytogenetic location: 21q22.11.
Variant type: single nucleotide variant.
Coding change: c.5725T>A on transcript NM_138927.4 (MANE Select); coding-DNA position 5725, T replaced by A.
Protein change: p.Ser1909Thr; replaces serine 1909 with threonine.
Molecular consequence: missense variant. On other transcripts: non-coding transcript variant (1), intron variant (1).
Genome position (GRCh38, 1-based): chr21:33,554,956, T>A. VCF-style: chr21-33554956-T-A. GRCh37 (hg19) VCF-style: chr21-34927262-T-A.
Other names: c.5725T>A, p.Ser1909Thr (NM_001291411.2, NM_032195.3); c.245-2200T>A (NM_001291412.3); short protein forms S1909T.
Identifiers: ClinVar variation 3607853 (VCV003607853.2).
Genomic context (GRCh38, chr21:33,554,956, plus strand): 5'-GAGAAGCGCAAAAGATCTCCAAAGCACAGATCCAAGTCTAGGGAAAGAAAAAGAAAAAGA[T>A]CAAGCTCCAGGGATAACCGAAAGACAGTTAGAGCTCGAAGTCGAACCCCAAGTCGTCGGA-3'
Protein context (NP_620305.3, residues 1899-1919): SKSRERKRKR[Ser1909Thr]SSRDNRKTVR

ClinVar aggregate classification (germline): Uncertain significance (1 of 4 stars; one submission).

Submission:

Labcorp Genetics (formerly Invitae), Labcorp
Classification: Uncertain significance. Last evaluated: 2025-01-06. Review status: criteria provided, single submitter. Criteria: Invitae Variant Classification Sherloc (09022015). Collection method: clinical testing. Allele origin: germline.
Comment: This sequence change replaces serine, which is neutral and polar, with threonine, which is neutral and polar, at codon 1909 of the SON protein (p.Ser1909Thr). This variant is not present in population databases (gnomAD no frequency). This variant has not been reported in the literature in individuals affected with SON-related conditions. Experimental studies and prediction algorithms are not available or were not evaluated, and the functional significance of this variant is currently unknown. In summary, the available evidence is currently insufficient to determine the role of this variant in disease. Therefore, it has been classified as a Variant of Uncertain Significance.